The following is an entry in ClinVar:

ClinVar aggregate classification (germline): Conflicting classifications of pathogenicity. Review status: criteria provided, conflicting classifications (1 of 4 stars). 5 submissions from 5 submitters: Uncertain significance (4); Likely benign (1). Last evaluated 2026-02-13.

Conditions:
NLRP1-related disorder. Also called: NLRP1-related condition.

Allele frequency attached by ClinVar (database versions not stated): gnomAD exomes 0.00006 and 0.00014; ESP Exome Variant Server 0.00015; ExAC 0.00016; gnomAD 0.00041 and 0.00042; TOPMed 0.00060; 1000 Genomes Project 30x 0.00078; 1000 Genomes Project 0.00100.
gnomAD v4.1: 167 of 1,613,960 alleles (0.01%); highest among the groups gnomAD compares: African/African-American, 0.11%; no homozygotes.

Submissions (5):

PreventionGenetics, part of Exact Sciences
Classification: Uncertain significance for NLRP1-related condition. Last evaluated: 2026-02-13. Review status: criteria provided, single submitter. Criteria: ACMG Guidelines, 2015. Collection method: clinical testing. Allele origin: germline.
Comment: The NLRP1 c.2693G>A variant is predicted to result in the amino acid substitution p.Arg898Gln. This variant has been reported in one individual from a cohort study of patients suspected of primary immune deficiency (Supplementary Table 3, Mørup et al. 2022. PubMed ID: 35874679). This variant is reported in 0.14% of alleles in individuals of African descent in gnomAD, which may be too common to be causative. Although we suspect that this variant may be benign, at this time, the clinical significance of this variant is uncertain due to the absence of conclusive functional and genetic evidence.

Labcorp Genetics (formerly Invitae), Labcorp
Classification: Uncertain significance. Last evaluated: 2026-02-01. Review status: criteria provided, single submitter. Criteria: Invitae Variant Classification Sherloc (09022015). Collection method: clinical testing. Allele origin: germline.
Comment: This sequence change replaces arginine, which is basic and polar, with glutamine, which is neutral and polar, at codon 898 of the NLRP1 protein (p.Arg898Gln). This variant is present in population databases (rs149831544, gnomAD 0.1%). This missense change has been observed in individual(s) with NLRP1-related conditions (PMID: 35874679). ClinVar contains an entry for this variant (Variation ID: 1428131). An algorithm developed to predict the effect of missense changes on protein structure and function (PolyPhen-2) suggests that this variant is likely to be tolerated. In summary, the available evidence is currently insufficient to determine the role of this variant in disease. Therefore, it has been classified as a Variant of Uncertain Significance.

Blueprint Genetics
Classification: Uncertain significance. Last evaluated: 2024-10-15. Review status: criteria provided, single submitter. Criteria: ACMG Guidelines, 2015. Collection method: clinical testing. Allele origin: germline.

CeGaT Center for Human Genetics Tuebingen
Classification: Likely benign. Last evaluated: 2023-01-01. Review status: criteria provided, single submitter. Criteria: CeGaT Center For Human Genetics Tuebingen Variant Classification Criteria Version 2. Collection method: clinical testing. Allele origin: germline. Affected: yes. Observed: 1 variant allele.
Comment: NLRP1: BP4

Breakthrough Genomics
Classification: Uncertain significance. Review status: criteria provided, single submitter. Criteria: ACMG Guidelines, 2015. Collection method: not provided. Allele origin: germline. Inheritance: Autosomal recessive inheritance. Affected: yes.

Literature cited by the submitters: PubMed 35874679 (cited by Labcorp Genetics (formerly Invitae), Labcorp).

NM_033004.4(NLRP1):c.2693G>A (p.Arg898Gln)

Gene: NLRP1 (NLR family pyrin domain containing 1; minus strand). Cytogenetic location: 17p13.2.
Variant type: single nucleotide variant.
Coding change: c.2693G>A on transcript NM_033004.4 (MANE Select); coding-DNA position 2693, G replaced by A.
Protein change: p.Arg898Gln; replaces arginine 898 with glutamine.
Molecular consequence: missense variant.
Genome position (GRCh38, 1-based): chr17:5,541,863, C>T on the plus strand (G>A on the coding strand, the complement: NLRP1 is on the minus strand). VCF-style: chr17-5541863-C-T. GRCh37 (hg19) VCF-style: chr17-5445183-C-T.
Other names: c.2693G>A, p.Arg898Gln (NM_001033053.3, NM_014922.5, NM_033006.4 and 1 more transcripts); c.2693G>A (NM_033004.3); short protein forms R898Q.
Identifiers: ClinVar variation 1428131 (VCV001428131.36), dbSNP rs149831544, ClinGen allele CA8327097.